The following is an entry in ClinVar:

NM_000278.5(PAX2):c.451C>G (p.Pro151Ala)

Gene: PAX2 (paired box 2; plus strand). Cytogenetic location: 10q24.31.
Variant type: single nucleotide variant.
Coding change: c.451C>G on transcript NM_000278.5 (MANE Select); coding-DNA position 451, C replaced by G.
Protein change: p.Pro151Ala; replaces proline 151 with alanine.
Molecular consequence: missense variant.
Genome position (GRCh38, 1-based): chr10:100,779,538, C>G. VCF-style: chr10-100779538-C-G. GRCh37 (hg19) VCF-style: chr10-102539295-C-G.
Other names: c.544C>G, p.Pro182Ala (NM_001304569.2); c.451C>G, p.Pro151Ala (NM_003987.5, NM_003988.5, NM_003989.5 and 1 more transcripts); short protein forms P182A, P151A.
Identifiers: ClinVar variation 2384438 (VCV002384438.5), dbSNP rs1434530255, ClinGen allele CA378258324.

ClinVar aggregate classification (germline): Uncertain significance. Review status: criteria provided, multiple submitters, no conflicts (2 of 4 stars). 2 submissions from 2 submitters: Uncertain significance (2). Last evaluated 2025-06-12.

Conditions:
Inborn genetic diseases. Identifiers: MedGen C0950123, MeSH D030342.
Focal segmental glomerulosclerosis 7 (FSGS7). Identifiers: Orphanet 656, MedGen C4014925, MONDO:0014451, OMIM 616002.
Renal coloboma syndrome (PAPRS). Also called: PAPILLORENAL SYNDROME; COLOBOMA OF OPTIC NERVE WITH RENAL DISEASE; OPTIC COLOBOMA, VESICOURETERAL REFLUX, AND RENAL ANOMALIES; OPTIC NERVE COLOBOMA WITH RENAL DISEASE; RENAL-COLOBOMA SYNDROME WITH MACULAR ABNORMALITIES; PAPILLORENAL SYNDROME WITH MILD OCULAR ABNORMALITIES. Identifiers: Orphanet 1475, MedGen C1852759, MONDO:0007352, OMIM 120330.

gnomAD v4.1: 5 of 1,597,302 alleles (0.00031%); highest among the groups gnomAD compares: Non-Finnish European, 0.00043%; no homozygotes.

Submissions (2):

Labcorp Genetics (formerly Invitae), Labcorp
Classification: Uncertain significance for Renal coloboma syndrome; Focal segmental glomerulosclerosis 7. Last evaluated: 2025-06-12. Review status: criteria provided, single submitter. Criteria: Invitae Variant Classification Sherloc (09022015). Collection method: clinical testing. Allele origin: germline.
Comment: This sequence change replaces proline, which is neutral and non-polar, with alanine, which is neutral and non-polar, at codon 151 of the PAX2 protein (p.Pro151Ala). This variant is not present in population databases (gnomAD no frequency). This variant has not been reported in the literature in individuals affected with PAX2-related conditions. ClinVar contains an entry for this variant (Variation ID: 2384438). Experimental studies and prediction algorithms are not available or were not evaluated, and the functional significance of this variant is currently unknown. In summary, the available evidence is currently insufficient to determine the role of this variant in disease. Therefore, it has been classified as a Variant of Uncertain Significance.

Ambry Genetics
Classification: Uncertain significance for Inborn genetic diseases. Last evaluated: 2022-10-26. Review status: criteria provided, single submitter. Criteria: Ambry Variant Classification Scheme 2023. Collection method: clinical testing. Allele origin: germline.